The following is an entry in ClinVar:

ClinVar aggregate classification (germline): Uncertain significance (1 of 4 stars; one submission).

Conditions:
Primary ciliary dyskinesia. Also called: Ciliary dyskinesia. Identifiers: Orphanet 244, MedGen C0008780, MONDO:0016575, HP:0012265.

gnomAD v4.1: 24 of 1,580,832 alleles (0.0015%); highest among the groups gnomAD compares: South Asian, 0.021%; 1 homozygote.

Submission:

Ambry Genetics
Classification: Uncertain significance for Primary ciliary dyskinesia. Last evaluated: 2026-05-03. Review status: criteria provided, single submitter. Criteria: Ambry Variant Classification Scheme 2023. Collection method: clinical testing. Allele origin: germline.
Comment: The p.G531D variant (also known as c.1592G>A), located in coding exon 7 of the DNAAF5 gene, results from a G to A substitution at nucleotide position 1592. The glycine at codon 531 is replaced by aspartic acid, an amino acid with similar properties. This amino acid position is conserved. In addition, this alteration is predicted to be tolerated by in silico analysis. Based on the available evidence, the clinical significance of this variant remains unclear.

NM_017802.4(DNAAF5):c.1592G>A (p.Gly531Asp)

Gene: DNAAF5 (dynein axonemal assembly factor 5; plus strand). Cytogenetic location: 7p22.3.
Variant type: single nucleotide variant.
Coding change: c.1592G>A on transcript NM_017802.4 (MANE Select); coding-DNA position 1592, G replaced by A.
Protein change: p.Gly531Asp; replaces glycine 531 with aspartic acid.
Molecular consequence: missense variant. On other transcripts: non-coding transcript variant (1).
Genome position (GRCh38, 1-based): chr7:761,874, G>A. VCF-style: chr7-761874-G-A. GRCh37 (hg19) VCF-style: chr7-801511-G-A.
Other names: short protein forms G531D.
Identifiers: ClinVar variation 4869908 (VCV004869908.1).